The following is an entry in ClinVar:

ClinVar aggregate classification (germline): Uncertain significance (1 of 4 stars; one submission).

Submission:

Labcorp Genetics (formerly Invitae), Labcorp
Classification: Uncertain significance. Last evaluated: 2023-12-11. Review status: criteria provided, single submitter. Criteria: Invitae Variant Classification Sherloc (09022015). Collection method: clinical testing. Allele origin: germline.
Comment: This sequence change replaces proline, which is neutral and non-polar, with serine, which is neutral and polar, at codon 102 of the RBFOX2 protein (p.Pro102Ser). This variant is not present in population databases (gnomAD no frequency). This variant has not been reported in the literature in individuals affected with RBFOX2-related conditions. ClinVar contains an entry for this variant (Variation ID: 1374670). An algorithm developed to predict the effect of missense changes on protein structure and function (PolyPhen-2) suggests that this variant is likely to be disruptive. In summary, the available evidence is currently insufficient to determine the role of this variant in disease. Therefore, it has been classified as a Variant of Uncertain Significance.

NM_001349999.2(RBFOX2):c.304C>T (p.Pro102Ser)

Gene: RBFOX2 (RNA binding fox-1 homolog 2; minus strand). Cytogenetic location: 22q12.3.
Variant type: single nucleotide variant.
Coding change: c.304C>T on transcript NM_001349999.2 (MANE Select); coding-DNA position 304, C replaced by T.
Protein change: p.Pro102Ser; replaces proline 102 with serine.
Molecular consequence: missense variant.
Genome position (GRCh38, 1-based): chr22:35,809,938, G>A on the plus strand (C>T on the coding strand, the complement: RBFOX2 is on the minus strand). VCF-style: chr22-35809938-G-A. GRCh37 (hg19) VCF-style: chr22-36205985-G-A.
Other names: c.94C>T, p.Pro32Ser (NM_001031695.4, NM_001349997.2, NM_001349998.2 and 4 more transcripts); c.160C>T, p.Pro54Ser (NM_001349994.2, NM_001349995.2, NM_001349996.2 and 5 more transcripts); c.304C>T, p.Pro102Ser (NM_001394108.1, NM_001394109.1, NM_001394110.1 and 7 more transcripts); short protein forms P54S, P102S, P32S.
Identifiers: ClinVar variation 1374670 (VCV001374670.6), dbSNP rs2148140331, ClinGen allele CA411547853.